The following is an entry in ClinVar:

NM_024675.4(PALB2):c.10C>G (p.Pro4Ala)

Gene: PALB2 (partner and localizer of BRCA2; minus strand). Cytogenetic location: 16p12.2.
Variant type: single nucleotide variant.
Coding change: c.10C>G on transcript NM_024675.4 (MANE Select); coding-DNA position 10, C replaced by G.
Protein change: p.Pro4Ala; replaces proline 4 with alanine.
Molecular consequence: missense variant. On other transcripts: 5 prime UTR variant (10).
Genome position (GRCh38, 1-based): chr16:23,641,148, G>C on the plus strand (C>G on the coding strand, the complement: PALB2 is on the minus strand). VCF-style: chr16-23641148-G-C. GRCh37 (hg19) VCF-style: chr16-23652469-G-C.
Other names: c.10C>G, p.Pro4Ala (NM_001407296.1, NM_001407297.1, NM_001407298.1 and 5 more transcripts); c.-1734C>G (NM_001407304.1, NM_001407310.1); c.-1010C>G (NM_001407305.1, NM_001407307.1, NM_001407309.1 and 1 more transcripts); c.-859C>G (NM_001407306.1, NM_001407308.1); c.-143C>G (NM_001407312.1, NM_001407313.1); short protein forms P4A.
Identifiers: ClinVar variation 2840985 (VCV002840985.4), dbSNP rs587782483, ClinGen allele CA395141220.

ClinVar aggregate classification (germline): Conflicting classifications of pathogenicity. Review status: criteria provided, conflicting classifications (1 of 4 stars). 2 submissions from 2 submitters: Uncertain significance (1); Likely benign (1). Last evaluated 2026-06-24.

Conditions:
Familial cancer of breast. Also called: BREAST CANCER, FAMILIAL; Hereditary breast cancer; hereditary breast carcinoma. Identifiers: Orphanet 227535, MedGen C0346153, MONDO:0016419, OMIM 114480. Disease mechanism: loss of function.
Hereditary cancer-predisposing syndrome. Also called: Hereditary Cancer Syndrome; Hereditary neoplastic syndrome; Neoplastic Syndromes, Hereditary; Tumor predisposition. Identifiers: Orphanet 140162, MedGen C0027672, MeSH D009386, MONDO:0015356.

Submissions (2):

Ambry Genetics
Classification: Likely benign for Hereditary cancer-predisposing syndrome. Last evaluated: 2026-06-24. Review status: criteria provided, single submitter. Criteria: Ambry Variant Classification Scheme 2023. Collection method: clinical testing. Allele origin: germline.

Labcorp Genetics (formerly Invitae), Labcorp
Classification: Uncertain significance for Familial cancer of breast. Last evaluated: 2025-01-21. Review status: criteria provided, single submitter. Criteria: Invitae Variant Classification Sherloc (09022015). Collection method: clinical testing. Allele origin: germline.
Comment: This sequence change replaces proline, which is neutral and non-polar, with alanine, which is neutral and non-polar, at codon 4 of the PALB2 protein (p.Pro4Ala). This variant is not present in population databases (gnomAD no frequency). This variant has not been reported in the literature in individuals affected with PALB2-related conditions. ClinVar contains an entry for this variant (Variation ID: 2840985). An algorithm developed to predict the effect of missense changes on protein structure and function outputs the following: PolyPhen-2: "Possibly Damaging". The alanine amino acid residue is found in multiple mammalian species, which suggests that this missense change does not adversely affect protein function. In summary, the available evidence is currently insufficient to determine the role of this variant in disease. Therefore, it has been classified as a Variant of Uncertain Significance.